The following is an entry in ClinVar:

ClinVar aggregate classification (germline): Uncertain significance (1 of 4 stars; one submission).

Conditions:
Prieto syndrome. Also called: MENTAL RETARDATION, X-LINKED, SYNDROMIC 2. Identifiers: Orphanet 2958, MedGen C1839730, MONDO:0010667, OMIM 309610.

Submission:

Institute of Human Genetics, University of Leipzig Medical Center
Classification: Uncertain significance for Prieto syndrome. Last evaluated: 2024-10-17. Review status: criteria provided, single submitter. Criteria: ACMG Guidelines, 2015. Collection method: clinical testing. Allele origin: maternal. Inheritance: X-linked recessive inheritance. Affected: yes.
Comment: Criteria applied: PM2,PP3

NM_020922.5(WNK3):c.537+5871C>T

Gene: WNK3 (WNK lysine deficient protein kinase 3; minus strand). Cytogenetic location: Xp11.22.
Variant type: single nucleotide variant.
Coding change: c.537+5871C>T on transcript NM_020922.5 (MANE Select); 5871 bases into the intron after coding-DNA position 537, C replaced by T.
Molecular consequence: intron variant.
Genome position (GRCh38, 1-based): chrX:54,327,266, G>A on the plus strand (C>T on the coding strand, the complement: WNK3 is on the minus strand). VCF-style: chrX-54327266-G-A. GRCh37 (hg19) VCF-style: chrX-54353699-G-A.
Other names: c.537+5871C>T (NM_001395166.1, NM_001002838.4).
Identifiers: ClinVar variation 3376130 (VCV003376130.3).